The following is an entry in ClinVar:

NM_004655.4(AXIN2):c.1405C>T (p.His469Tyr)

Gene: AXIN2 (axin 2; minus strand). Cytogenetic location: 17q24.1.
Variant type: single nucleotide variant.
Coding change: c.1405C>T on transcript NM_004655.4 (MANE Select); coding-DNA position 1405, C replaced by T.
Protein change: p.His469Tyr; replaces histidine 469 with tyrosine.
Molecular consequence: missense variant.
Genome position (GRCh38, 1-based): chr17:65,537,631, G>A on the plus strand (C>T on the coding strand, the complement: AXIN2 is on the minus strand). VCF-style: chr17-65537631-G-A. GRCh37 (hg19) VCF-style: chr17-63533749-G-A.
Other names: c.1405C>T, p.His469Tyr (NM_001363813.1); short protein forms H469Y.
Identifiers: ClinVar variation 1995463 (VCV001995463.4), dbSNP rs1266538607, ClinGen allele CA400677571.

ClinVar aggregate classification (germline): Uncertain significance (1 of 4 stars; one submission).

Conditions:
Oligodontia-cancer predisposition syndrome. Also called: TOOTH AGENESIS-COLORECTAL CANCER SYNDROME. Identifiers: Orphanet 300576, MedGen C1837750, MONDO:0012075, OMIM 608615. Disease mechanism: loss of function.

Allele frequency attached by ClinVar (database versions not stated): gnomAD exomes below 0.00001.
gnomAD v4.1: 2 of 1,588,572 alleles (0.00013%); highest among the groups gnomAD compares: Non-Finnish European, 0.00017%; no homozygotes.

Submission:

Labcorp Genetics (formerly Invitae), Labcorp
Classification: Uncertain significance for Oligodontia-cancer predisposition syndrome. Last evaluated: 2021-11-25. Review status: criteria provided, single submitter. Criteria: Invitae Variant Classification Sherloc (09022015). Collection method: clinical testing. Allele origin: germline.
Comment: In summary, the available evidence is currently insufficient to determine the role of this variant in disease. Therefore, it has been classified as a Variant of Uncertain Significance. Algorithms developed to predict the effect of missense changes on protein structure and function (SIFT, PolyPhen-2, Align-GVGD) all suggest that this variant is likely to be tolerated. This variant has not been reported in the literature in individuals affected with AXIN2-related conditions. This variant is not present in population databases (gnomAD no frequency). This sequence change replaces histidine, which is basic and polar, with tyrosine, which is neutral and polar, at codon 469 of the AXIN2 protein (p.His469Tyr).